The following is an entry in ClinVar:

NM_001084.5(PLOD3):c.1220T>C (p.Ile407Thr)

Gene: PLOD3 (procollagen-lysine,2-oxoglutarate 5-dioxygenase 3; minus strand). Cytogenetic location: 7q22.1.
Variant type: single nucleotide variant.
Coding change: c.1220T>C on transcript NM_001084.5 (MANE Select); coding-DNA position 1220, T replaced by C.
Protein change: p.Ile407Thr; replaces isoleucine 407 with threonine.
Molecular consequence: missense variant.
Genome position (GRCh38, 1-based): chr7:101,211,858, A>G on the plus strand (T>C on the coding strand, the complement: PLOD3 is on the minus strand). VCF-style: chr7-101211858-A-G. GRCh37 (hg19) VCF-style: chr7-100855139-A-G.
Other names: short protein forms I407T.
Identifiers: ClinVar variation 4749069 (VCV004749069.1).
Genomic context (GRCh38, chr7:101,211,858, plus strand): 5'-GGGGCCTGTTGGGGTGCCCTCCGGCTGCGGGGAGAGGGGGTAAGCCACCTGTTCTCCTCA[A>G]TGAGGATACGCAGGGTCTGCAGGTTGGTGAGGACAGCGTCGGCGTCCAGGCTGAAGTAGA-3'
Protein context (NP_001075.1, residues 397-417): LTNLQTLRIL[Ile407Thr]EENRKVIAPM

ClinVar aggregate classification (germline): Uncertain significance (1 of 4 stars; one submission).

Submission:

Labcorp Genetics (formerly Invitae), Labcorp
Classification: Uncertain significance. Last evaluated: 2025-11-05. Review status: criteria provided, single submitter. Criteria: Invitae Variant Classification Sherloc (09022015). Collection method: clinical testing. Allele origin: germline.
Comment: This sequence change replaces isoleucine, which is neutral and non-polar, with threonine, which is neutral and polar, at codon 407 of the PLOD3 protein (p.Ile407Thr). This variant is present in population databases (rs766893581, gnomAD 0.01%), including at least one homozygous and/or hemizygous individual. This variant has not been reported in the literature in individuals affected with PLOD3-related conditions. Invitae Evidence Modeling of protein sequence and biophysical properties (such as structural, functional, and spatial information, amino acid conservation, physicochemical variation, residue mobility, and thermodynamic stability) indicates that this missense variant is expected to disrupt PLOD3 protein function with a positive predictive value of 80%. In summary, the available evidence is currently insufficient to determine the role of this variant in disease. Therefore, it has been classified as a Variant of Uncertain Significance.